The following is an entry in ClinVar:

ClinVar aggregate classification (germline): Benign/Likely benign. Review status: criteria provided, multiple submitters, no conflicts (2 of 4 stars). 2 submissions from 2 submitters: Benign (1); Likely benign (1). Last evaluated 2026-02-01.

Conditions:
Leber congenital amaurosis 5 (LCA5). Also called: Amaurosis congenita of Leber, type 5. Identifiers: Orphanet 65, MedGen C1858301, MONDO:0011473, OMIM 604537.

Allele frequency attached by ClinVar (database versions not stated): gnomAD 0.00016; TOPMed 0.00025; ExAC 0.00788; 1000 Genomes Project 30x 0.01218; 1000 Genomes Project 0.01258.
gnomAD v4.1: 5,279 of 1,607,334 alleles (0.33%); highest among the groups gnomAD compares: South Asian, 5.3%; 184 homozygotes.

Submissions (2):

Labcorp Genetics (formerly Invitae), Labcorp
Classification: Benign. Last evaluated: 2026-02-01. Review status: criteria provided, single submitter. Criteria: Invitae Variant Classification Sherloc (09022015). Collection method: clinical testing. Allele origin: germline.

Illumina Laboratory Services, Illumina
Classification: Likely benign for Leber congenital amaurosis 5. Last evaluated: 2018-01-12. Review status: criteria provided, single submitter. Criteria: ICSL Variant Classification Criteria 13 December 2019. Collection method: clinical testing. Allele origin: germline.
Comment: This variant was observed in the ICSL laboratory as part of a predisposition screen in an ostensibly healthy population. It had not been previously curated by ICSL or reported in the Human Gene Mutation Database (HGMD: prior to June 1st, 2018), and was therefore a candidate for classification through an automated scoring system. Utilizing variant allele frequency, disease prevalence and penetrance estimates, and inheritance mode, an automated score was calculated to assess if this variant is too frequent to cause the disease. Based on the score and internal cut-off values, a variant classified as likely benign is not then subjected to further curation. The score for this variant resulted in a classification of likely benign for this disease.

NM_001122769.3(LCA5):c.1099-12A>G

Gene: LCA5 (lebercilin LCA5; minus strand). Cytogenetic location: 6q14.1.
Variant type: single nucleotide variant.
Coding change: c.1099-12A>G on transcript NM_001122769.3 (MANE Select); 12 bases into the intron before coding-DNA position 1099, A replaced by G.
Molecular consequence: intron variant.
Genome position (GRCh38, 1-based): chr6:79,489,228, T>C on the plus strand (A>G on the coding strand, the complement: LCA5 is on the minus strand). VCF-style: chr6-79489228-T-C. GRCh37 (hg19) VCF-style: chr6-80198945-T-C.
Other names: c.1099-12A>G (NM_181714.4).
Identifiers: ClinVar variation 358098 (VCV000358098.13), dbSNP rs192066914, ClinGen allele CA3900920.